The following is an entry in ClinVar:

ClinVar aggregate classification (germline): Benign/Likely benign. Review status: criteria provided, multiple submitters, no conflicts (2 of 4 stars). 7 submissions from 7 submitters: Benign (5); Likely benign (2). Last evaluated 2026-02-04.

Conditions:
Hyper-IgM syndrome type 1. Also called: Hyper-IgM Immunodeficiency Syndrome, Type 1; X-linked hyper-IgM syndrome; Immunodeficiency, X-linked, with hyper-IgM; CD40 Ligand Deficiency. Identifiers: Orphanet 101088, MedGen C0398689, MONDO:0010626, OMIM 308230.

Allele frequency attached by ClinVar (database versions not stated): 1000 Genomes Project 30x 0.00499; 1000 Genomes Project 0.00530; TOPMed 0.00832; gnomAD 0.01015; gnomAD exomes 0.01108 and 0.01575; ExAC 0.01129; ESP Exome Variant Server 0.01183.
gnomAD v4.1: 18,197 of 1,209,678 alleles (1.5%); highest among the groups gnomAD compares: Non-Finnish European, 1.8%; 122 homozygotes.

Submissions (7):

Labcorp Genetics (formerly Invitae), Labcorp
Classification: Benign for Hyper-IgM syndrome type 1. Last evaluated: 2026-02-04. Review status: criteria provided, single submitter. Criteria: Invitae Variant Classification Sherloc (09022015). Collection method: clinical testing. Allele origin: germline.

ARUP Laboratories, Molecular Genetics and Genomics, ARUP Laboratories
Classification: Benign for Hyper-IgM syndrome type 1. Last evaluated: 2025-07-16. Review status: criteria provided, single submitter. Criteria: ARUP Molecular Germline Variant Investigation Process 2024. Collection method: clinical testing. Allele origin: germline.

Blueprint Genetics
Classification: Likely benign. Last evaluated: 2024-11-28. Review status: criteria provided, single submitter. Criteria: ACMG Guidelines, 2015. Collection method: clinical testing. Allele origin: germline.

Mayo Clinic Laboratories, Mayo Clinic
Classification: Benign. Last evaluated: 2018-08-01. Review status: criteria provided, single submitter. Criteria: ACMG Guidelines, 2015. Collection method: clinical testing. Allele origin: germline. Observed: 21 variant alleles.

Eurofins Ntd Llc (ga)
Classification: Benign. Last evaluated: 2016-07-20. Review status: criteria provided, single submitter. Criteria: EGL Classification Definitions 2015. Collection method: clinical testing. Allele origin: germline. Observed: 3 variant alleles, 1 heterozygote, 2 hemizygotes.

Women's Health and Genetics/Laboratory Corporation of America, LabCorp
Classification: Benign. Last evaluated: 2016-04-08. Review status: criteria provided, single submitter. Criteria: LabCorp Variant Classification Summary - May 2015. Collection method: clinical testing. Allele origin: germline.
Comment: Variant summary: The CD40LG c.655G>A variant affects a non-conserved nucleotide, resulting in amino acid change from Gly to Arg. 3/5 in-silico tools predict this variant to be damaging. In vitro functional studies suggest that G219R has decreased ligand binding and decreased capacity to activate B cells. However, the single expression of G219R protein has no or only minor effects in vivo as shown by an asymptomatic carrier of G219R who has normal values of serum IgA and IgM and normal B-cell subpopulations (Rigaud 2011). These functional studies suggest that this variant is a functional polymorphism.This variant was found in 992/88003 control chromosomes (at least 7 homozygotes and 388 hemizygotes) at a frequency of 0.0112723, which is about 7 times the maximal expected frequency of a pathogenic CD40LG allele (0.0015811) for HIGM1, suggesting this variant is benign. The variant has been reported in patients with hyper IgM syndrome, non-X-linked HIGM, X-linked variable immunodeficiency, and hypogammaglobulinemia, However, some of these patients had other probable disease causing mutations in cis (Gln232X; Lin 1996) or in another gene (XIAP G466X; Rigaud 2011), or unaffected compound heterozygous or hemizygous family members (lack of segregation with disease; Martinez-Martinez 2012 and Rigaud 2011), suggesting that this variant itself is not pathogenic in isolation. Taken together, this variant is not disease causing in isolation but may play a contributory role in certain backgrounds, and therefore is classified as benign.

Breakthrough Genomics
Classification: Likely benign. Review status: criteria provided, single submitter. Criteria: ACMG Guidelines, 2015. Collection method: not provided. Allele origin: germline. Inheritance: X-linked inheritance. Affected: yes.

Literature cited by the submitters: PubMed 10651941 (cited by Women's Health and Genetics/Laboratory Corporation of America, LabCorp); PubMed 19575287 (cited by Women's Health and Genetics/Laboratory Corporation of America, LabCorp); PubMed 20652909 (cited by Women's Health and Genetics/Laboratory Corporation of America, LabCorp); PubMed 21543760 (cited by Women's Health and Genetics/Laboratory Corporation of America, LabCorp); PubMed 22750225 (cited by Women's Health and Genetics/Laboratory Corporation of America, LabCorp); PubMed 23622016 (cited by Women's Health and Genetics/Laboratory Corporation of America, LabCorp).

NM_000074.3(CD40LG):c.655G>A (p.Gly219Arg)

Gene: CD40LG (CD40 ligand; plus strand). Cytogenetic location: Xq26.3.
Variant type: single nucleotide variant.
Coding change: c.655G>A on transcript NM_000074.3 (MANE Select); coding-DNA position 655, G replaced by A.
Protein change: p.Gly219Arg; replaces glycine 219 with arginine.
Molecular consequence: missense variant.
Genome position (GRCh38, 1-based): chrX:136,659,284, G>A. VCF-style: chrX-136659284-G-A. GRCh37 (hg19) VCF-style: chrX-135741443-G-A.
Other names: short protein forms G219R.
Identifiers: ClinVar variation 35813 (VCV000035813.29), dbSNP rs148594123, ClinGen allele CA260206.